The following is an entry in ClinVar:

NM_000093.5(COL5A1):c.1224G>A (p.Thr408=)

Gene: COL5A1 (collagen type V alpha 1 chain; plus strand). Cytogenetic location: 9q34.3.
Variant type: single nucleotide variant.
Coding change: c.1224G>A on transcript NM_000093.5 (MANE Select); coding-DNA position 1224, G replaced by A.
Protein change: p.Thr408=; no amino-acid change (threonine 408 retained).
Molecular consequence: synonymous variant.
Genome position (GRCh38, 1-based): chr9:134,731,555, G>A. VCF-style: chr9-134731555-G-A. GRCh37 (hg19) VCF-style: chr9-137623401-G-A.
Other names: p.Thr408=; c.1224G>A, p.Thr408= (NM_001278074.1).
Identifiers: ClinVar variation 510829 (VCV000510829.31), dbSNP rs139406076, ClinGen allele CA5318681.

ClinVar aggregate classification (germline): Benign/Likely benign. Review status: criteria provided, multiple submitters, no conflicts (2 of 4 stars). 6 submissions from 6 submitters: Benign (1); Likely benign (5). Last evaluated 2026-04-27.

Conditions:
Ehlers-Danlos syndrome, classic type, 1 (EDSCL1). Also called: Ehlers-Danlos Syndrome, Classic Type, COL5A1-Related; EDS I; Ehlers-Danlos syndrome, type 1; EHLERS-DANLOS SYNDROME, GRAVIS TYPE; EHLERS-DANLOS SYNDROME, SEVERE CLASSIC TYPE. Identifiers: MedGen C0268335, MONDO:0019567, OMIM 130000.
Familial thoracic aortic aneurysm and aortic dissection (TAAD). Also called: Thoracic aortic aneurysms and dissections. Identifiers: Orphanet 91387, MedGen C4707243, MONDO:0019625.

Allele frequency attached by ClinVar (database versions not stated): TOPMed 0.00006; 1000 Genomes Project 30x 0.00016; 1000 Genomes Project 0.00020.
gnomAD v4.1: 196 of 1,614,218 alleles (0.012%); highest among the groups gnomAD compares: Non-Finnish European, 0.015%; no homozygotes.

Submissions (6):

Women's Health and Genetics/Laboratory Corporation of America, LabCorp
Classification: Benign. Last evaluated: 2026-04-27. Review status: criteria provided, single submitter. Criteria: LabCorp Variant Classification Summary - May 2015. Collection method: clinical testing. Allele origin: germline.

CeGaT Center for Human Genetics Tuebingen
Classification: Likely benign. Last evaluated: 2026-04-01. Review status: criteria provided, single submitter. Criteria: CeGaT Center For Human Genetics Tuebingen Variant Classification Criteria Version 2. Collection method: clinical testing. Allele origin: germline. Affected: yes. Observed: 2 variant alleles.
Comment: COL5A1: BP4, BP7

Labcorp Genetics (formerly Invitae), Labcorp
Classification: Likely benign for Ehlers-Danlos syndrome, classic type, 1. Last evaluated: 2026-01-28. Review status: criteria provided, single submitter. Criteria: Invitae Variant Classification Sherloc (09022015). Collection method: clinical testing. Allele origin: germline.

Mayo Clinic Laboratories, Mayo Clinic
Classification: Likely benign. Last evaluated: 2025-08-04. Review status: criteria provided, single submitter. Criteria: ACMG Guidelines, 2015. Collection method: clinical testing. Allele origin: germline. Observed: 3 variant alleles.
Comment: BP4, BP7

GeneDx
Classification: Likely benign. Last evaluated: 2019-03-21. Review status: criteria provided, single submitter. Criteria: GeneDx Variant Classification Process June 2021. Collection method: clinical testing. Allele origin: germline. Affected: yes.

Ambry Genetics
Classification: Likely benign for Familial thoracic aortic aneurysm and aortic dissection. Last evaluated: 2018-02-09. Review status: criteria provided, single submitter. Criteria: Ambry Variant Classification Scheme 2023. Collection method: clinical testing. Allele origin: germline.